The following is an entry in ClinVar:

ClinVar aggregate classification (germline): Uncertain significance (1 of 4 stars; one submission).

Conditions:
Congenital contractural arachnodactyly (CCA). Also called: BEALS SYNDROME; Beals-Hecht syndrome; Arthrogryposis, distal, type 9. Identifiers: Orphanet 115, MedGen C0220668, MONDO:0007363, OMIM 121050.

Submission:

Labcorp Genetics (formerly Invitae), Labcorp
Classification: Uncertain significance for Congenital contractural arachnodactyly. Last evaluated: 2022-02-25. Review status: criteria provided, single submitter. Criteria: Invitae Variant Classification Sherloc (09022015). Collection method: clinical testing. Allele origin: germline.
Comment: This variant is not present in population databases (gnomAD no frequency). This sequence change replaces glycine, which is neutral and non-polar, with serine, which is neutral and polar, at codon 214 of the FBN2 protein (p.Gly214Ser). This variant has not been reported in the literature in individuals affected with FBN2-related conditions. In summary, the available evidence is currently insufficient to determine the role of this variant in disease. Therefore, it has been classified as a Variant of Uncertain Significance. Advanced modeling of protein sequence and biophysical properties (such as structural, functional, and spatial information, amino acid conservation, physicochemical variation, residue mobility, and thermodynamic stability) performed at Invitae indicates that this missense variant is expected to disrupt FBN2 protein function.

NM_001999.4(FBN2):c.640G>A (p.Gly214Ser)

Gene: FBN2 (fibrillin 2; minus strand). Cytogenetic location: 5q23.3.
Variant type: single nucleotide variant.
Coding change: c.640G>A on transcript NM_001999.4 (MANE Select); coding-DNA position 640, G replaced by A.
Protein change: p.Gly214Ser; replaces glycine 214 with serine.
Molecular consequence: missense variant.
Genome position (GRCh38, 1-based): chr5:128,464,910, C>T on the plus strand (G>A on the coding strand, the complement: FBN2 is on the minus strand). VCF-style: chr5-128464910-C-T. GRCh37 (hg19) VCF-style: chr5-127800603-C-T.
Other names: short protein forms G214S.
Identifiers: ClinVar variation 2103286 (VCV002103286.4), dbSNP rs2479643309, ClinGen allele CA360755866.